The following is an entry in ClinVar:

ClinVar aggregate classification (germline): Benign. Review status: criteria provided, multiple submitters, no conflicts (2 of 4 stars). 2 submissions from 2 submitters: Benign (2). Last evaluated 2018-01-13.

Conditions:
Renal tubular dysgenesis. Also called: Renotubular dysgenesis. Identifiers: Orphanet 3033, MedGen C0266313, MONDO:0017609, HP:0008660.

Allele frequency attached by ClinVar (database versions not stated): gnomAD exomes 0.00092; gnomAD 0.00987 and 0.01062; 1000 Genomes Project 0.01078; TOPMed 0.01115; 1000 Genomes Project 30x 0.01124.

Submissions (2):

Illumina Laboratory Services, Illumina
Classification: Benign for Renal tubular dysgenesis of genetic origin. Last evaluated: 2018-01-13. Review status: criteria provided, single submitter. Criteria: ICSL Variant Classification Criteria 13 December 2019. Collection method: clinical testing. Allele origin: germline.
Comment: This variant was observed in the ICSL laboratory as part of a predisposition screen in an ostensibly healthy population. It had not been previously curated by ICSL or reported in the Human Gene Mutation Database (HGMD: prior to June 1st, 2018), and was therefore a candidate for classification through an automated scoring system. Utilizing variant allele frequency, disease prevalence and penetrance estimates, and inheritance mode, an automated score was calculated to assess if this variant is too frequent to cause the disease. Based on the score and internal cut-off values, a variant classified as benign is not then subjected to further curation. The score for this variant resulted in a classification of benign for this disease.

Breakthrough Genomics
Classification: Benign. Review status: criteria provided, single submitter. Criteria: ACMG Guidelines, 2015. Collection method: not provided. Allele origin: germline. Inheritance: Autosomal recessive inheritance. Affected: yes.

NM_000685.5(AGTR1):c.*461C>A

Gene: AGTR1 (angiotensin II receptor type 1; plus strand). Cytogenetic location: 3q24.
Variant type: single nucleotide variant.
Coding change: c.*461C>A on transcript NM_000685.5 (MANE Select); 461 bases downstream of the stop codon, C replaced by A.
Molecular consequence: 3 prime UTR variant.
Genome position (GRCh38, 1-based): chr3:148,742,576, C>A. VCF-style: chr3-148742576-C-A. GRCh37 (hg19) VCF-style: chr3-148460363-C-A.
Other names: c.*461C>A (NM_001382736.1, NM_001382737.1, NM_004835.5 and 3 more transcripts).
Identifiers: ClinVar variation 343684 (VCV000343684.6), dbSNP rs12721276, ClinGen allele CA10617451.
Genomic context (GRCh38, chr3:148,742,576, plus strand): 5'-TGTCCAGTTTCCAAAGGGCAGTAAAGTTTTCGTGCCGGTTTTCAGCTATTAGCAACTGTG[C>A]TACACTTGCACCTGGTACTGCACATTTTGTACAAAGATATGCTAAGCAGTAGTCGTCAAG-3'